The following is an entry in ClinVar:

NM_020070.4(IGLL1):c.221G>A (p.Arg74His)

Gene: IGLL1 (immunoglobulin lambda like polypeptide 1; minus strand). Cytogenetic location: 22q11.23.
Variant type: single nucleotide variant.
Coding change: c.221G>A on transcript NM_020070.4 (MANE Select); coding-DNA position 221, G replaced by A.
Protein change: p.Arg74His; replaces arginine 74 with histidine.
Molecular consequence: missense variant. On other transcripts: intron variant (1).
Genome position (GRCh38, 1-based): chr22:23,575,068, C>T on the plus strand (G>A on the coding strand, the complement: IGLL1 is on the minus strand). VCF-style: chr22-23575068-C-T. GRCh37 (hg19) VCF-style: chr22-23917255-C-T.
Other names: c.224G>A, p.Arg75His (NM_001369906.1); c.207-1483G>A (NM_152855.3); short protein forms R75H, R74H.
Identifiers: ClinVar variation 844864 (VCV000844864.10), dbSNP rs368706509, ClinGen allele CA10143378.

ClinVar aggregate classification (germline): Uncertain significance (1 of 4 stars; one submission).

Conditions:
Agammaglobulinemia 2, autosomal recessive (AGM2). Also called: AGAMMAGLOBULINEMIA, AUTOSOMAL RECESSIVE, DUE TO IGLL1 DEFECT. Identifiers: MedGen C3150750, MONDO:0013287, OMIM 613500.

Allele frequency attached by ClinVar (database versions not stated): gnomAD 0.00005 and 0.00007; TOPMed 0.00005; gnomAD exomes 0.00007; ESP Exome Variant Server 0.00008; ExAC 0.00009; 1000 Genomes Project 30x 0.00016; 1000 Genomes Project 0.00020.
gnomAD v4.1: 118 of 1,613,688 alleles (0.0073%); highest among the groups gnomAD compares: Non-Finnish European, 0.009%; no homozygotes.

Submission:

Labcorp Genetics (formerly Invitae), Labcorp
Classification: Uncertain significance for Agammaglobulinemia 2, autosomal recessive. Last evaluated: 2025-10-02. Review status: criteria provided, single submitter. Criteria: Invitae Variant Classification Sherloc (09022015). Collection method: clinical testing. Allele origin: germline.
Comment: This sequence change replaces arginine, which is basic and polar, with histidine, which is basic and polar, at codon 74 of the IGLL1 protein (p.Arg74His). This variant is present in population databases (rs368706509, gnomAD 0.02%). This variant has not been reported in the literature in individuals affected with IGLL1-related conditions. ClinVar contains an entry for this variant (Variation ID: 844864). An algorithm developed to predict the effect of missense changes on protein structure and function outputs the following: PolyPhen-2: "Benign". The histidine amino acid residue is found in multiple mammalian species, which suggests that this missense change does not adversely affect protein function. In summary, the available evidence is currently insufficient to determine the role of this variant in disease. Therefore, it has been classified as a Variant of Uncertain Significance.